The following is an entry in ClinVar:

NM_015001.3(SPEN):c.5951C>T (p.Pro1984Leu)

Gene: SPEN (spen family transcriptional repressor; plus strand). Cytogenetic location: 1p36.13.
Variant type: single nucleotide variant.
Coding change: c.5951C>T on transcript NM_015001.3 (MANE Select); coding-DNA position 5951, C replaced by T.
Protein change: p.Pro1984Leu; replaces proline 1984 with leucine.
Molecular consequence: missense variant.
Genome position (GRCh38, 1-based): chr1:15,932,191, C>T. VCF-style: chr1-15932191-C-T. GRCh37 (hg19) VCF-style: chr1-16258686-C-T.
Other names: short protein forms P1984L.
Identifiers: ClinVar variation 3773903 (VCV003773903.2).
Genomic context (GRCh38, chr1:15,932,191, plus strand): 5'-AGGAGAACGAGGCCAAGGAACCTGCAGAAACACTCAAGCCACCTGAGGGATGGCGGTCGC[C>T]AAGGTCCCAGAAAACTGCAGCTGGTGGTGGACCCCAAGGGAAAAAGGGAAAAAATGAACC-3'
Protein context (NP_055816.2, residues 1974-1994): TLKPPEGWRS[Pro1984Leu]RSQKTAAGGG

ClinVar aggregate classification (germline): Uncertain significance (1 of 4 stars; one submission).

Submission:

GeneDx
Classification: Uncertain significance. Last evaluated: 2025-09-08. Review status: criteria provided, single submitter. Criteria: GeneDx Variant Classification Process June 2021. Collection method: clinical testing. Allele origin: germline.
Comment: Not observed at significant frequency in large population cohorts (gnomAD); In silico analysis supports that this missense variant has a deleterious effect on protein structure/function; Has not been previously published as pathogenic or benign to our knowledge